The following is an entry in ClinVar:

ClinVar aggregate classification (germline): Uncertain significance. Review status: criteria provided, single submitter (1 of 4 stars). 2 submissions from 2 submitters: Uncertain significance (1). 1 of the submissions does not count toward it. Last evaluated 2024-07-24.

Conditions:
Ataxia-telangiectasia syndrome (AT). Also called: ATAXIA-TELANGIECTASIA, COMPLEMENTATION GROUP A; ATAXIA-TELANGIECTASIA, FRESNO VARIANT; Ataxia-telangiectasia; Ataxia-telangiectasia, complementation group D; Ataxia-telangiectasia, complementation group E; Ataxia telangiectasia (A-T). Identifiers: Orphanet 100, MedGen C0004135, MONDO:0008840, OMIM 208900.

Submissions (2):

Labcorp Genetics (formerly Invitae), Labcorp
Classification: Uncertain significance for Ataxia-telangiectasia syndrome. Last evaluated: 2024-07-24. Review status: criteria provided, single submitter. Criteria: Invitae Variant Classification Sherloc (09022015). Collection method: clinical testing. Allele origin: germline.
Comment: This sequence change replaces arginine, which is basic and polar, with glycine, which is neutral and non-polar, at codon 1204 of the ATM protein (p.Arg1204Gly). This variant is not present in population databases (gnomAD no frequency). This variant has not been reported in the literature in individuals affected with ATM-related conditions. ClinVar contains an entry for this variant (Variation ID: 1359381). An algorithm developed to predict the effect of missense changes on protein structure and function (PolyPhen-2) suggests that this variant is likely to be tolerated. In summary, the available evidence is currently insufficient to determine the role of this variant in disease. Therefore, it has been classified as a Variant of Uncertain Significance.

Natera, Inc.
Classification: Uncertain significance for Ataxia-telangiectasia. Last evaluated: 2025-04-24. Review status: no assertion criteria provided. Collection method: clinical testing. Allele origin: germline. Not counted in ClinVar's aggregate classification.

NM_000051.4(ATM):c.3610A>G (p.Arg1204Gly)

Gene: ATM (ATM serine/threonine kinase; plus strand). Cytogenetic location: 11q22.3.
Variant type: single nucleotide variant.
Coding change: c.3610A>G on transcript NM_000051.4 (MANE Select); coding-DNA position 3610, A replaced by G.
Protein change: p.Arg1204Gly; replaces arginine 1204 with glycine.
Molecular consequence: missense variant.
Genome position (GRCh38, 1-based): chr11:108,282,743, A>G. VCF-style: chr11-108282743-A-G. GRCh37 (hg19) VCF-style: chr11-108153470-A-G.
Other names: c.3610A>G, p.Arg1204Gly (NM_001351834.2); c.3610A>G (NM_000051.3); short protein forms R1204G.
Identifiers: ClinVar variation 1359381 (VCV001359381.9), dbSNP rs2135687439, ClinGen allele CA382522747.
Genomic context (GRCh38, chr11:108,282,743, plus strand): 5'-AACACATTGACTTTTTGGTTCGTGCAGGTTTTAGAGAAAGTTTCTGAAACTTTTGGATAT[A>G]GACGTTTAGAAGACTTTATGGCATCTCATTTAGATTATCTGGTTTTGGAATGGCTAAATC-3'
Protein context (NP_000042.3, residues 1194-1214): LEKVSETFGY[Arg1204Gly]RLEDFMASHL